The following is an entry in ClinVar:

NM_198578.4(LRRK2):c.5567C>T (p.Ala1856Val)

Gene: LRRK2 (leucine rich repeat kinase 2; plus strand). Cytogenetic location: 12q12.
Variant type: single nucleotide variant.
Coding change: c.5567C>T on transcript NM_198578.4 (MANE Select); coding-DNA position 5567, C replaced by T.
Protein change: p.Ala1856Val; replaces alanine 1856 with valine.
Molecular consequence: missense variant.
Genome position (GRCh38, 1-based): chr12:40,323,217, C>T. VCF-style: chr12-40323217-C-T. GRCh37 (hg19) VCF-style: chr12-40717019-C-T.
Other names: short protein forms A1856V.
Identifiers: ClinVar variation 1748337 (VCV001748337.2), dbSNP rs947323032, ClinGen allele CA384421069.

ClinVar aggregate classification (germline): Uncertain significance (1 of 4 stars; one submission).

Conditions:
Inborn genetic diseases. Identifiers: MedGen C0950123, MeSH D030342.

Submission:

Ambry Genetics
Classification: Uncertain significance for Inborn genetic diseases. Last evaluated: 2022-06-02. Review status: criteria provided, single submitter. Criteria: Ambry Variant Classification Scheme 2023. Collection method: clinical testing. Allele origin: germline.
Comment: The p.A1856V variant (also known as c.5567C>T), located in coding exon 38 of the LRRK2 gene, results from a C to T substitution at nucleotide position 5567. The alanine at codon 1856 is replaced by valine, an amino acid with similar properties. This amino acid position is conserved. In addition, the in silico prediction for this alteration is inconclusive. Since supporting evidence is limited at this time, the clinical significance of this alteration remains unclear.